The following is an entry in ClinVar:

ClinVar aggregate classification (germline): Uncertain significance (1 of 4 stars; one submission).

Allele frequency attached by ClinVar (database versions not stated): gnomAD exomes below 0.00001 and 0.00001; gnomAD 0.00001; TOPMed 0.00001; ExAC 0.00002; 1000 Genomes Project 0.00020; 1000 Genomes Project 30x 0.00031.
gnomAD v4.1: 4 of 1,598,334 alleles (0.00025%); highest among the groups gnomAD compares: Admixed American, 0.0052%; no homozygotes.

Submission:

GeneDx
Classification: Uncertain significance. Last evaluated: 2019-11-08. Review status: criteria provided, single submitter. Criteria: GeneDx Variant Classification Process June 2021. Collection method: clinical testing. Allele origin: germline. Affected: yes.
Comment: Not observed at a significant frequency in large population cohorts (Lek et al., 2016); Missense variant in a gene in which most reported pathogenic variants are truncating/loss-of-function; Has not been previously published as pathogenic or benign to our knowledge

NM_001267550.2(TTN):c.48652G>A (p.Gly16218Ser)

Genes: TTN (titin; minus strand), TTN-AS1 (TTN antisense RNA 1; plus strand), LOC126806426 (BRD4-independent group 4 enhancer GRCh37_chr2:179478848-179480047; plus strand). Cytogenetic location: 2q31.2.
Variant type: single nucleotide variant.
Coding change: c.48652G>A on transcript NM_001267550.2 (MANE Select); coding-DNA position 48652, G replaced by A.
Protein change: p.Gly16218Ser; replaces glycine 16218 with serine.
Molecular consequence: missense variant.
Genome position (GRCh38, 1-based): chr2:178,614,955, C>T on the plus strand (G>A on the coding strand, the complement: TTN is on the minus strand). VCF-style: chr2-178614955-C-T. GRCh37 (hg19) VCF-style: chr2-179479682-C-T.
Other names: c.43729G>A, p.Gly14577Ser (NM_001256850.1); c.21457G>A, p.Gly7153Ser (NM_003319.4); c.40948G>A, p.Gly13650Ser (NM_133378.4); c.21832G>A, p.Gly7278Ser (NM_133432.3); c.22033G>A, p.Gly7345Ser (NM_133437.4); short protein forms G13650S, G14577S, G16218S, G7153S, G7278S, G7345S.
Identifiers: ClinVar variation 1309999 (VCV001309999.2), dbSNP rs566086846, ClinGen allele CA1994769.
Genomic context (GRCh38, chr2:178,614,955, plus strand): 5'-TAGCACCCTGCCTGTTTAAGGCCTTCACGCGGTAGGCATACCATTTGCCTTCCTCAAGAC[C>T]TGTCACTTCCATTCTGTCAGAAAACAGAATAGGATGTTTTACTGTGATGTCGATAATCGT-3'
Protein context (NP_001254479.2, residues 16208-16228): PVAETKMEVT[Gly16218Ser]LEEGKWYAYR